The following is an entry in ClinVar:

NM_006514.4(SCN10A):c.1717C>T (p.Pro573Ser)

Gene: SCN10A (sodium voltage-gated channel alpha subunit 10; minus strand). Cytogenetic location: 3p22.2.
Variant type: single nucleotide variant.
Coding change: c.1717C>T on transcript NM_006514.4 (MANE Select); coding-DNA position 1717, C replaced by T.
Protein change: p.Pro573Ser; replaces proline 573 with serine.
Molecular consequence: missense variant. On other transcripts: intron variant (1).
Genome position (GRCh38, 1-based): chr3:38,752,257, G>A on the plus strand (C>T on the coding strand, the complement: SCN10A is on the minus strand). VCF-style: chr3-38752257-G-A. GRCh37 (hg19) VCF-style: chr3-38793748-G-A.
Other names: c.1717C>T, p.Pro573Ser (NM_001293306.2); c.1462-2073C>T (NM_001293307.2); short protein forms P573S.
Identifiers: ClinVar variation 3675059 (VCV003675059.2).

ClinVar aggregate classification (germline): Uncertain significance (1 of 4 stars; one submission).

Conditions:
Brugada syndrome. Also called: Sudden unexpected nocturnal death syndrome; Sudden Unexplained Death Syndrome; Sudden Unexplained Nocturnal Death Syndrome (SUNDS); Sudden unexplained nocturnal death syndrome. Identifiers: Orphanet 130, MedGen C1142166, MONDO:0015263.

Submission:

Labcorp Genetics (formerly Invitae), Labcorp
Classification: Uncertain significance for Brugada syndrome. Last evaluated: 2024-09-24. Review status: criteria provided, single submitter. Criteria: Invitae Variant Classification Sherloc (09022015). Collection method: clinical testing. Allele origin: germline.
Comment: This sequence change replaces proline, which is neutral and non-polar, with serine, which is neutral and polar, at codon 573 of the SCN10A protein (p.Pro573Ser). This variant is not present in population databases (gnomAD no frequency). This variant has not been reported in the literature in individuals affected with SCN10A-related conditions. Invitae Evidence Modeling of protein sequence and biophysical properties (such as structural, functional, and spatial information, amino acid conservation, physicochemical variation, residue mobility, and thermodynamic stability) indicates that this missense variant is not expected to disrupt SCN10A protein function with a negative predictive value of 95%. In summary, the available evidence is currently insufficient to determine the role of this variant in disease. Therefore, it has been classified as a Variant of Uncertain Significance.